The following is an entry in ClinVar:

ClinVar aggregate classification (germline): Uncertain significance (1 of 4 stars; one submission).

Conditions:
Cardiovascular phenotype. Identifiers: MedGen CN230736.

Submission:

Ambry Genetics
Classification: Uncertain significance for Cardiovascular phenotype. Last evaluated: 2024-05-30. Review status: criteria provided, single submitter. Criteria: Ambry Variant Classification Scheme 2023. Collection method: clinical testing. Allele origin: germline.
Comment: The p.K1392T variant (also known as c.4175A>C), located in coding exon 27 of the MYH6 gene, results from an A to C substitution at nucleotide position 4175. The amino acid change results in lysine to threonine at codon 1392, an amino acid with similar properties. This amino acid position is highly conserved in available vertebrate species. In addition, the in silico prediction for this alteration is inconclusive. Based on the available evidence, the clinical significance of this variant remains unclear.

NM_002471.4(MYH6):c.4175A>C (p.Lys1392Thr)

Gene: MYH6 (myosin heavy chain 6; minus strand). Cytogenetic location: 14q11.2.
Variant type: single nucleotide variant.
Coding change: c.4175A>C on transcript NM_002471.4 (MANE Select); coding-DNA position 4175, A replaced by C.
Protein change: p.Lys1392Thr; replaces lysine 1392 with threonine.
Molecular consequence: missense variant.
Genome position (GRCh38, 1-based): chr14:23,388,859, T>G on the plus strand (A>C on the coding strand, the complement: MYH6 is on the minus strand). VCF-style: chr14-23388859-T-G. GRCh37 (hg19) VCF-style: chr14-23858068-T-G.
Other names: short protein forms K1392T.
Identifiers: ClinVar variation 3297491 (VCV003297491.1).